The following is an entry in ClinVar:

NM_130837.3(OPA1):c.-2G>T

Gene: OPA1 (OPA1 mitochondrial dynamin like GTPase; plus strand). Cytogenetic location: 3q29.
Variant type: single nucleotide variant.
Coding change: c.-2G>T on transcript NM_130837.3 (MANE Select); 2 bases upstream of the start codon, G replaced by T.
Molecular consequence: 5 prime UTR variant.
Genome position (GRCh38, 1-based): chr3:193,593,376, G>T. VCF-style: chr3-193593376-G-T. GRCh37 (hg19) VCF-style: chr3-193311165-G-T.
Other names: c.-432G>T (NM_001354663.2, NM_001354664.2); c.-2G>T (NM_015560.3, NM_130831.3, NM_130832.3 and 4 more transcripts).
Identifiers: ClinVar variation 5000580 (VCV005000580.1).

ClinVar aggregate classification (germline): Likely benign (1 of 4 stars; one submission).

Conditions:
OPA1-related disorder. Also called: OPA1-related disorders; OPA1-related condition.

Submission:

PreventionGenetics, part of Exact Sciences
Classification: Likely benign for OPA1-related condition. Last evaluated: 2026-09-15. Review status: criteria provided, single submitter. Criteria: ACMG Guidelines, 2015. Collection method: clinical testing. Allele origin: germline.
Comment: This variant is classified as likely benign based on ACMG/AMP sequence variant interpretation guidelines (Richards et al. 2015 PMID: 25741868, with internal and published modifications).